The following is an entry in ClinVar:

ClinVar aggregate classification (germline): Likely benign (1 of 4 stars; one submission).

Conditions:
Melanoma-pancreatic cancer syndrome. Identifiers: Orphanet 404560, MedGen C1838547, MONDO:0011713, OMIM 606719. Disease mechanism: loss of function.

Submission:

Myriad Genetics, Inc.
Classification: Likely benign for Melanoma-pancreatic cancer syndrome. Last evaluated: 2025-08-12. Review status: criteria provided, single submitter. Criteria: Myriad Autosomal Dominant, Autosomal Recessive and X-Linked Classification Criteria (2023). Collection method: clinical testing. Allele origin: unknown.
Comment: This variant is considered likely benign. This variant is intronic and is not expected to impact mRNA splicing.

NM_058195.4(CDKN2A):c.193+10G>A

Gene: CDKN2A (cyclin dependent kinase inhibitor 2A; minus strand). Cytogenetic location: 9p21.3.
Variant type: single nucleotide variant.
Coding change: c.193+10G>A on transcript NM_058195.4 (MANE Plus Clinical); 10 bases into the intron after coding-DNA position 193, G replaced by A.
Molecular consequence: intron variant.
Genome position (GRCh38, 1-based): chr9:21,994,129, C>T on the plus strand (G>A on the coding strand, the complement: CDKN2A is on the minus strand). VCF-style: chr9-21994129-C-T. GRCh37 (hg19) VCF-style: chr9-21994128-C-T.
Other names: c.-4+692G>A (NM_001363763.2).
Identifiers: ClinVar variation 4294129 (VCV004294129.1).